The following is an entry in ClinVar:

NM_017780.4(CHD7):c.6536A>G (p.Glu2179Gly)

Gene: CHD7 (chromodomain helicase DNA binding protein 7; plus strand). Cytogenetic location: 8q12.2.
Variant type: single nucleotide variant.
Coding change: c.6536A>G on transcript NM_017780.4 (MANE Select); coding-DNA position 6536, A replaced by G.
Protein change: p.Glu2179Gly; replaces glutamic acid 2179 with glycine.
Molecular consequence: missense variant. On other transcripts: intron variant (1).
Genome position (GRCh38, 1-based): chr8:60,853,261, A>G. VCF-style: chr8-60853261-A-G. GRCh37 (hg19) VCF-style: chr8-61765820-A-G.
Other names: c.1717-8968A>G (NM_001316690.1); short protein forms E2179G.
Identifiers: ClinVar variation 863461 (VCV000863461.9), dbSNP rs1805551737, ClinGen allele CA371325639.

ClinVar aggregate classification (germline): Uncertain significance (1 of 4 stars; one submission).

Conditions:
CHARGE syndrome (CHARGE). Also called: CHARGE ASSOCIATION--COLOBOMA, HEART ANOMALY, CHOANAL ATRESIA, RETARDATION, GENITAL AND EAR ANOMALIES; Coloboma, heart anomaly, choanal atresia, retardation, genital and ear anomalies; CHARGE association; Hall-Hittner syndrome; Hittner Hirsch Kreh syndrome. Identifiers: Orphanet 138, MedGen C0265354, MONDO:0008965.

Submission:

Labcorp Genetics (formerly Invitae), Labcorp
Classification: Uncertain significance for CHARGE syndrome. Last evaluated: 2019-12-13. Review status: criteria provided, single submitter. Criteria: Invitae Variant Classification Sherloc (09022015). Collection method: clinical testing. Allele origin: germline.
Comment: This sequence change replaces glutamic acid with glycine at codon 2179 of the CHD7 protein (p.Glu2179Gly). The glutamic acid residue is moderately conserved and there is a moderate physicochemical difference between glutamic acid and glycine. This variant is not present in population databases (ExAC no frequency). This variant has not been reported in the literature in individuals with CHD7-related conditions. In summary, the available evidence is currently insufficient to determine the role of this variant in disease. Therefore, it has been classified as a Variant of Uncertain Significance. Algorithms developed to predict the effect of missense changes on protein structure and function output the following: SIFT: "Tolerated"; PolyPhen-2: "Possibly Damaging"; Align-GVGD: "Class C0". The glycine amino acid residue is found in multiple mammalian species, suggesting that this missense change does not adversely affect protein function. These predictions have not been confirmed by published functional studies and their clinical significance is uncertain.